The following is an entry in ClinVar:

NM_001101426.4(CRPPA):c.362A>G (p.Glu121Gly)

Gene: CRPPA (CDP-L-ribitol pyrophosphorylase A; minus strand). Cytogenetic location: 7p21.2.
Variant type: single nucleotide variant.
Coding change: c.362A>G on transcript NM_001101426.4 (MANE Select); coding-DNA position 362, A replaced by G.
Protein change: p.Glu121Gly; replaces glutamic acid 121 with glycine.
Molecular consequence: missense variant. On other transcripts: non-coding transcript variant (1).
Genome position (GRCh38, 1-based): chr7:16,406,233, T>C on the plus strand (A>G on the coding strand, the complement: CRPPA is on the minus strand). VCF-style: chr7-16406233-T-C. GRCh37 (hg19) VCF-style: chr7-16445858-T-C.
Other names: c.362A>G (NM_001101426.3); c.362A>G, p.Glu121Gly (NM_001101417.4, NM_001368197.1); short protein forms E121G.
Identifiers: ClinVar variation 1680795 (VCV001680795.9), dbSNP rs757846188, ClinGen allele CA4169623.

ClinVar aggregate classification (germline): Conflicting classifications of pathogenicity. Review status: criteria provided, conflicting classifications (1 of 4 stars). 4 submissions from 4 submitters: Uncertain significance (3); Benign (1). Last evaluated 2024-06-13.

Conditions:
Autosomal recessive limb-girdle muscular dystrophy type 2U. Also called: Muscular dystrophy-dystroglycanopathy (limb-girdle), type c, 7; MUSCULAR DYSTROPHY, LIMB-GIRDLE, TYPE 2U. Identifiers: Orphanet 352479, MedGen C5190987, MONDO:0014474, OMIM 616052.
Muscular dystrophy-dystroglycanopathy (congenital with brain and eye anomalies), type A, 7. Also called: WALKER-WARBURG SYNDROME OR MUSCLE-EYE-BRAIN DISEASE, ISPD-RELATED; Congenital muscular dystrophy-dystroglycanopathy with brain and eye anomalies, type A7. Identifiers: Orphanet 899, MedGen C3553330, MONDO:0013835, OMIM 614643.

Allele frequency attached by ClinVar (database versions not stated): ExAC 0.00002; gnomAD 0.00003; gnomAD exomes 0.00003 and 0.00006; TOPMed 0.00004.
gnomAD v4.1: 46 of 1,613,890 alleles (0.0029%); highest among the groups gnomAD compares: Non-Finnish European, 0.00042%; no homozygotes.

Submissions (4):

Blueprint Genetics
Classification: Benign. Last evaluated: 2024-06-13. Review status: criteria provided, single submitter. Criteria: ACMG Guidelines, 2015. Collection method: clinical testing. Allele origin: germline.

Revvity Omics, Revvity
Classification: Uncertain significance. Last evaluated: 2023-05-10. Review status: criteria provided, single submitter. Criteria: ACMG Guidelines, 2015. Collection method: clinical testing. Allele origin: germline.

Labcorp Genetics (formerly Invitae), Labcorp
Classification: Uncertain significance for Muscular dystrophy-dystroglycanopathy (congenital with brain and eye anomalies), type A, 7; Autosomal recessive limb-girdle muscular dystrophy type 2U. Last evaluated: 2022-05-16. Review status: criteria provided, single submitter. Criteria: Invitae Variant Classification Sherloc (09022015). Collection method: clinical testing. Allele origin: germline.
Comment: This sequence change replaces glutamic acid, which is acidic and polar, with glycine, which is neutral and non-polar, at codon 121 of the ISPD protein (p.Glu121Gly). This variant is present in population databases (rs757846188, gnomAD 0.1%). This variant has not been reported in the literature in individuals affected with ISPD-related conditions. Algorithms developed to predict the effect of missense changes on protein structure and function (SIFT, PolyPhen-2, Align-GVGD) all suggest that this variant is likely to be tolerated. In summary, the available evidence is currently insufficient to determine the role of this variant in disease. Therefore, it has been classified as a Variant of Uncertain Significance.

Ambry Genetics
Classification: Uncertain significance. Last evaluated: 2022-02-18. Review status: criteria provided, single submitter. Criteria: Ambry Variant Classification Scheme 2023. Collection method: clinical testing. Allele origin: germline.